The following is an entry in ClinVar:

ClinVar aggregate classification (germline): Pathogenic/Likely pathogenic. Review status: criteria provided, multiple submitters, no conflicts (2 of 4 stars). 2 submissions from 2 submitters: Pathogenic (1); Likely pathogenic (1). Last evaluated 2025-03-27.

Conditions:
Ullrich congenital muscular dystrophy 2 (UCMD2). Identifiers: Orphanet 75840, MedGen C4225314, MONDO:0014654, OMIM 616470.
Bethlem myopathy 2 (BTHLM2). Identifiers: Orphanet 536516, Orphanet 610, MedGen C4225313, MONDO:0034022, OMIM 616471.

Submissions (2):

Labcorp Genetics (formerly Invitae), Labcorp
Classification: Pathogenic for Bethlem myopathy 2; Ullrich congenital muscular dystrophy 2. Last evaluated: 2025-03-27. Review status: criteria provided, single submitter. Criteria: Invitae Variant Classification Sherloc (09022015). Collection method: clinical testing. Allele origin: germline.
Comment: This sequence change falls in intron 52 of the COL12A1 gene. It does not directly change the encoded amino acid sequence of the COL12A1 protein. RNA analysis indicates that this variant induces altered splicing and likely results in a shortened protein product. This variant is not present in population databases (gnomAD no frequency). This variant has been observed in individual(s) with clinical features of autosomal dominant COL12A1-related conditions (PMID: 31273343; internal data). In at least one individual the variant was observed to be de novo. ClinVar contains an entry for this variant (Variation ID: 1062642). Variants that disrupt the consensus splice site are a relatively common cause of aberrant splicing (PMID: 17576681, 9536098). Studies have shown that this variant results in skipping of exon 52, but is expected to preserve the integrity of the reading-frame (PMID: 31273343). For these reasons, this variant has been classified as Pathogenic.

GeneDx
Classification: Likely pathogenic. Last evaluated: 2022-03-30. Review status: criteria provided, single submitter. Criteria: GeneDx Variant Classification Process June 2021. Collection method: clinical testing. Allele origin: germline. Affected: yes.
Comment: Not observed at significant frequency in large population cohorts (gnomAD); Intronic splice site variant leads to in-frame skipping of exon 52 (Delbaere et al., 2020); Protein functional studies demonstrate a damaging effect through abnormal intracellular accumulation of the protein, abnormal protein processing, and reduced protein levels of interacting partners (Delbaere et al., 2020); This variant is associated with the following publications: (PMID: 31273343)

Literature cited by the submitters: PubMed 31273343 (cited by Labcorp Genetics (formerly Invitae), Labcorp); PubMed 17576681 (cited by Labcorp Genetics (formerly Invitae), Labcorp); PubMed 9536098 (cited by Labcorp Genetics (formerly Invitae), Labcorp).

NM_004370.6(COL12A1):c.8100+3_8100+6del

Gene: COL12A1 (collagen type XII alpha 1 chain; minus strand). Cytogenetic location: 6q13.
Variant type: Deletion.
Coding change: c.8100+3_8100+6del on transcript NM_004370.6 (MANE Select); bases 3 to 6 of the intron after coding-DNA position 8100, 4 bases deleted (GAGT; older notation c.8100+3_8100+6delGAGT).
Molecular consequence: splice donor variant.
Genome position (GRCh38, 1-based): chr6:75,109,012-75,109,015, ACTC deleted on the plus strand (GAGT on the coding strand, the reverse complement: COL12A1 is on the minus strand); deleting any 4 consecutive bases within chr6:75,109,012-75,109,018 gives the same sequence; the c. name uses the placement nearest the transcript's 3' end. VCF-style (leftmost placement, unchanged base first): chr6-75109011-TACTC-T. GRCh37 (hg19) VCF-style: chr6-75818727-TACTC-T.
Other names: c.4608+3_4608+6del (NM_080645.3).
Identifiers: ClinVar variation 1062642 (VCV001062642.8), dbSNP rs2149352927, ClinGen allele CA2499218527.
Genomic context (GRCh38, chr6:75,109,011, plus strand): 5'-TTGTTTAGAAAAATGCCATTTCAATCTTAACACAAGGTACCAAGAGAAATAAAAATGTGT[TACTC>T]ACTGCGGCTGATTTCCTTTCCCCTTTAAGGAGTTTTCCAAGAATTTCATAACCATCAGTT-3'